The following is an entry in ClinVar:

NM_002485.5(NBN):c.634C>A (p.Leu212Met)

Gene: NBN (nibrin; minus strand). Cytogenetic location: 8q21.3.
Variant type: single nucleotide variant.
Coding change: c.634C>A on transcript NM_002485.5 (MANE Select); coding-DNA position 634, C replaced by A.
Protein change: p.Leu212Met; replaces leucine 212 with methionine.
Molecular consequence: missense variant.
Genome position (GRCh38, 1-based): chr8:89,971,241, G>T on the plus strand (C>A on the coding strand, the complement: NBN is on the minus strand). VCF-style: chr8-89971241-G-T. GRCh37 (hg19) VCF-style: chr8-90983469-G-T.
Other names: c.388C>A, p.Leu130Met (NM_001024688.3); short protein forms L130M, L212M.
Identifiers: ClinVar variation 1000078 (VCV001000078.11), dbSNP rs1563561889, ClinGen allele CA371659182.

ClinVar aggregate classification (germline): Uncertain significance. Review status: criteria provided, multiple submitters, no conflicts (2 of 4 stars). 2 submissions from 2 submitters: Uncertain significance (2). Last evaluated 2020-09-15.

Conditions:
Microcephaly, normal intelligence and immunodeficiency (NBS). Also called: Microcephaly with normal intelligence immunodeficiency and lymphoreticular malignancies; Nonsyndromal microcephaly autosomal recessive with normal intelligence; Seemanova syndrome 2; Immunodeficiency, microcephaly with normal intelligence; Ataxia telangiectasia variant V1; BERLIN BREAKAGE SYNDROME. Identifiers: Orphanet 647, MedGen C0398791, MONDO:0009623, OMIM 251260.
Hereditary cancer-predisposing syndrome. Also called: Neoplastic Syndromes, Hereditary; Hereditary neoplastic syndrome; Hereditary Cancer Syndrome; Tumor predisposition. Identifiers: Orphanet 140162, MedGen C0027672, MeSH D009386, MONDO:0015356.

Submissions (2):

Labcorp Genetics (formerly Invitae), Labcorp
Classification: Uncertain significance for Microcephaly, normal intelligence and immunodeficiency. Last evaluated: 2020-09-15. Review status: criteria provided, single submitter. Criteria: Invitae Variant Classification Sherloc (09022015). Collection method: clinical testing. Allele origin: germline.
Comment: Algorithms developed to predict the effect of missense changes on protein structure and function are either unavailable or do not agree on the potential impact of this missense change (SIFT: "Deleterious"; PolyPhen-2: "Probably Damaging"; Align-GVGD: "Class C0"). This variant has not been reported in the literature in individuals with NBN-related conditions. This variant is not present in population databases (ExAC no frequency). This sequence change replaces leucine with methionine at codon 212 of the NBN protein (p.Leu212Met). The leucine residue is moderately conserved and there is a small physicochemical difference between leucine and methionine. In summary, the available evidence is currently insufficient to determine the role of this variant in disease. Therefore, it has been classified as a Variant of Uncertain Significance.

Ambry Genetics
Classification: Uncertain significance for Hereditary cancer-predisposing syndrome. Last evaluated: 2020-09-10. Review status: criteria provided, single submitter. Criteria: Ambry Variant Classification Scheme 2023. Collection method: clinical testing. Allele origin: germline.
Comment: The p.L212M variant (also known as c.634C>A), located in coding exon 6 of the NBN gene, results from a C to A substitution at nucleotide position 634. The leucine at codon 212 is replaced by methionine, an amino acid with highly similar properties. This amino acid position is highly conserved in available vertebrate species. In addition, the in silico prediction for this alteration is inconclusive. Since supporting evidence is limited at this time, the clinical significance of this alteration remains unclear.